The following is an entry in ClinVar:

NM_033026.6(PCLO):c.14599A>T (p.Met4867Leu)

Gene: PCLO (piccolo presynaptic cytomatrix protein; minus strand). Cytogenetic location: 7q21.11.
Variant type: single nucleotide variant.
Coding change: c.14599A>T on transcript NM_033026.6 (MANE Select); coding-DNA position 14599, A replaced by T.
Protein change: p.Met4867Leu; replaces methionine 4867 with leucine.
Molecular consequence: missense variant.
Genome position (GRCh38, 1-based): chr7:82,822,687, T>A on the plus strand (A>T on the coding strand, the complement: PCLO is on the minus strand). VCF-style: chr7-82822687-T-A. GRCh37 (hg19) VCF-style: chr7-82452003-T-A.
Other names: c.14599A>T, p.Met4867Leu (NM_014510.3); short protein forms M4867L.
Identifiers: ClinVar variation 1485312 (VCV001485312.5), dbSNP rs759201455, ClinGen allele CA4318753.

ClinVar aggregate classification (germline): Uncertain significance (1 of 4 stars; one submission).

Allele frequency attached by ClinVar (database versions not stated): gnomAD exomes below 0.00001; ExAC 0.00001; TOPMed 0.00002.
gnomAD v4.1: 12 of 1,612,662 alleles (0.00074%); highest among the groups gnomAD compares: Middle Eastern, 0.017%; no homozygotes.

Submission:

Labcorp Genetics (formerly Invitae), Labcorp
Classification: Uncertain significance. Last evaluated: 2022-07-26. Review status: criteria provided, single submitter. Criteria: Invitae Variant Classification Sherloc (09022015). Collection method: clinical testing. Allele origin: germline.
Comment: This sequence change replaces methionine, which is neutral and non-polar, with leucine, which is neutral and non-polar, at codon 4867 of the PCLO protein (p.Met4867Leu). This variant is present in population databases (rs759201455, gnomAD 0.004%). This variant has not been reported in the literature in individuals affected with PCLO-related conditions. ClinVar contains an entry for this variant (Variation ID: 1485312). Algorithms developed to predict the effect of missense changes on protein structure and function are either unavailable or do not agree on the potential impact of this missense change (SIFT: "Tolerated"; PolyPhen-2: "Not Available"; Align-GVGD: "Class C0"). In summary, the available evidence is currently insufficient to determine the role of this variant in disease. Therefore, it has been classified as a Variant of Uncertain Significance.